The following is an entry in ClinVar:

ClinVar aggregate classification (germline): Uncertain significance (1 of 4 stars; one submission).

Conditions:
Polyhydramnios, megalencephaly, and symptomatic epilepsy (PMSE). Also called: PMSE SYNDROME. Identifiers: Orphanet 500533, MedGen C1970203, MONDO:0012611, OMIM 611087.

Allele frequency attached by ClinVar (database versions not stated): gnomAD exomes below 0.00001; ExAC 0.00001; gnomAD 0.00001; TOPMed 0.00001.
gnomAD v4.1: 3 of 1,567,856 alleles (0.00019%); highest among the groups gnomAD compares: African/African-American, 0.0028%; no homozygotes.

Submission:

Labcorp Genetics (formerly Invitae), Labcorp
Classification: Uncertain significance for Polyhydramnios, megalencephaly, and symptomatic epilepsy. Last evaluated: 2018-05-30. Review status: criteria provided, single submitter. Criteria: Invitae Variant Classification Sherloc (09022015). Collection method: clinical testing. Allele origin: germline.
Comment: This sequence change replaces threonine with asparagine at codon 302 of the STRADA protein (p.Thr302Asn). The threonine residue is highly conserved and there is a small physicochemical difference between threonine and asparagine. In summary, the available evidence is currently insufficient to determine the role of this variant in disease. Therefore, it has been classified as a Variant of Uncertain Significance. Algorithms developed to predict the effect of missense changes on protein structure and function (SIFT, PolyPhen-2, Align-GVGD) all suggest that this variant is likely to be tolerated, but these predictions have not been confirmed by published functional studies and their clinical significance is uncertain. This variant has not been reported in the literature in individuals with STRADA-related disease. This variant is present in population databases (rs761948281, ExAC 0.01%).

NM_001003787.4(STRADA):c.905C>A (p.Thr302Asn)

Gene: STRADA (STE20 related adaptor alpha; minus strand). Cytogenetic location: 17q23.3.
Variant type: single nucleotide variant.
Coding change: c.905C>A on transcript NM_001003787.4 (MANE Select); coding-DNA position 905, C replaced by A.
Protein change: p.Thr302Asn; replaces threonine 302 with asparagine.
Molecular consequence: missense variant. On other transcripts: non-coding transcript variant (1).
Genome position (GRCh38, 1-based): chr17:63,704,536, G>T on the plus strand (C>A on the coding strand, the complement: STRADA is on the minus strand). VCF-style: chr17-63704536-G-T. GRCh37 (hg19) VCF-style: chr17-61781896-G-T.
Other names: c.794C>A, p.Thr265Asn (NM_001003786.3, NM_001363789.1, NM_153335.6); c.731C>A, p.Thr244Asn (NM_001003788.3, NM_001363790.1, NM_001363791.1); c.818C>A, p.Thr273Asn (NM_001165969.2, NM_001363787.1); c.773C>A, p.Thr258Asn (NM_001165970.2); c.881C>A, p.Thr294Asn (NM_001363786.1); c.905C>A, p.Thr302Asn (NM_001363788.1); short protein forms T302N, T265N, T273N, T258N, T294N, T244N.
Identifiers: ClinVar variation 571868 (VCV000571868.8), dbSNP rs761948281, ClinGen allele CA8703184.
Genomic context (GRCh38, chr17:63,704,536, plus strand): 5'-CCAGAGTTGGCCACTGAGCGCGAAGGGCTCATGGTCAGCTCCTCAGCGGGGATGGTGCTG[G>T]TATCCAACAGGCAGGGCACTGTGCCGTTCAGTTTCTCTAGCAGCATCTGGGGAGGACAGA-3'
Protein context (NP_001003787.1, residues 292-312): LNGTVPCLLD[Thr302Asn]STIPAEELTM